The following is an entry in ClinVar:

ClinVar aggregate classification (germline): Likely benign (1 of 4 stars; one submission).

Allele frequency attached by ClinVar (database versions not stated): gnomAD exomes 0.00001; gnomAD 0.00004; 1000 Genomes Project 30x 0.00016; ExAC 0.00033; ESP Exome Variant Server 0.00077; 1000 Genomes Project 0.00160.
gnomAD v4.1: 20 of 1,613,224 alleles (0.0012%); highest among the groups gnomAD compares: Middle Eastern, 0.016%; no homozygotes.

Submission:

CeGaT Center for Human Genetics Tuebingen
Classification: Likely benign. Last evaluated: 2023-08-01. Review status: criteria provided, single submitter. Criteria: CeGaT Center For Human Genetics Tuebingen Variant Classification Criteria Version 2. Collection method: clinical testing. Allele origin: germline. Affected: yes. Observed: 1 variant allele.
Comment: KCNJ12: BP4, BP7

NM_021012.5(KCNJ12):c.318G>A (p.Ala106=)

Gene: KCNJ12 (potassium inwardly rectifying channel subfamily J member 12; plus strand). Cytogenetic location: 17p11.2.
Variant type: single nucleotide variant.
Coding change: c.318G>A on transcript NM_021012.5 (MANE Select); coding-DNA position 318, G replaced by A.
Protein change: p.Ala106=; no amino-acid change (alanine 106 retained).
Molecular consequence: synonymous variant.
Genome position (GRCh38, 1-based): chr17:21,415,660, G>A. VCF-style: chr17-21415660-G-A. GRCh37 (hg19) VCF-style: chr17-21318972-G-A.
Identifiers: ClinVar variation 2647574 (VCV002647574.24), dbSNP rs149095815, ClinGen allele CA8451073.
Genomic context (GRCh38, chr17:21,415,660, plus strand): 5'-CTTCTCGCTGGCCTTCCTTGCCTCCTGGCTGCTGTTCGGCATCATCTTCTGGGTCATCGC[G>A]GTGGCACACGGTGACCTGGAGCCGGCTGAGGGCCGGGGCCGCACACCCTGTGTGATGCAG-3'
Protein context (NP_066292.2, residues 96-116): LLFGIIFWVI[Ala106=]VAHGDLEPAE